The following is an entry in ClinVar:

ClinVar aggregate classification (germline): Conflicting classifications of pathogenicity. Review status: criteria provided, conflicting classifications (1 of 4 stars). 3 submissions from 3 submitters: Likely pathogenic (1); Uncertain significance (2). Last evaluated 2026-02-23.

Conditions:
AP1S2-related disorder. Also called: AP1S2-related condition.

Submissions (3):

GeneDx
Classification: Uncertain significance. Last evaluated: 2026-02-23. Review status: criteria provided, single submitter. Criteria: GeneDx Variant Classification Process June 2021. Collection method: clinical testing. Allele origin: germline.
Comment: Not observed at significant frequency in large population cohorts (gnomAD); In silico analysis is inconclusive as to whether the variant alters gene splicing. In the absence of RNA/functional studies, the actual effect of this sequence change is unknown.; Has not been previously published as pathogenic or benign to our knowledge

Labcorp Genetics (formerly Invitae), Labcorp
Classification: Uncertain significance. Last evaluated: 2022-04-06. Review status: criteria provided, single submitter. Criteria: Invitae Variant Classification Sherloc (09022015). Collection method: clinical testing. Allele origin: germline.
Comment: In summary, the available evidence is currently insufficient to determine the role of this variant in disease. Therefore, it has been classified as a Variant of Uncertain Significance. Variants that disrupt the consensus splice site are a relatively common cause of aberrant splicing (PMID: 17576681, 9536098). Algorithms developed to predict the effect of sequence changes on RNA splicing suggest that this variant may disrupt the consensus splice site. This variant has not been reported in the literature in individuals affected with AP1S2-related conditions. This variant is not present in population databases (gnomAD no frequency). This sequence change falls in intron 2 of the AP1S2 gene. It does not directly change the encoded amino acid sequence of the AP1S2 protein. It affects a nucleotide within the consensus splice site.

Blueprint Genetics
Classification: Likely pathogenic for AP1S2-related disorders. Last evaluated: 2019-02-23. Review status: criteria provided, single submitter. Criteria: ACMG Guidelines, 2015. Collection method: clinical testing. Allele origin: germline. Affected: yes. Observed: 1 variant allele.

Literature cited by the submitters: PubMed 17576681 (cited by Labcorp Genetics (formerly Invitae), Labcorp); PubMed 9536098 (cited by Labcorp Genetics (formerly Invitae), Labcorp).

NM_001272071.2(AP1S2):c.179+3A>G

Gene: AP1S2 (adaptor related protein complex 1 subunit sigma 2; minus strand). Cytogenetic location: Xp22.2.
Variant type: single nucleotide variant.
Coding change: c.179+3A>G on transcript NM_001272071.2 (MANE Select); 3 bases into the intron after coding-DNA position 179, A replaced by G.
Molecular consequence: intron variant.
Genome position (GRCh38, 1-based): chrX:15,852,343, T>C on the plus strand (A>G on the coding strand, the complement: AP1S2 is on the minus strand). VCF-style: chrX-15852343-T-C. GRCh37 (hg19) VCF-style: chrX-15870466-T-C.
Other names: c.179+3A>G (NM_003916.5, NM_001368994.1, NM_001369007.1 and 1 more transcripts).
Identifiers: ClinVar variation 2122257 (VCV002122257.6), dbSNP rs2519929420, ClinGen allele CA2580100375.
Genomic context (GRCh38, chrX:15,852,343, plus strand): 5'-GCAATTTCCTAAATGACCTAACATTTGATTCTATTTCACCTTTCTGACAAACAAAAATTA[T>C]ACCTTTTGTAAACAATCTTCAGATCTCGCCACTCAAGGAAGCTGCACATTTTAGGTTTCC-3'